The following is an entry in ClinVar:

ClinVar aggregate classification (germline): Uncertain significance (1 of 4 stars; one submission).

Allele frequency attached by ClinVar (database versions not stated): gnomAD exomes 0.00002; TOPMed 0.00003; gnomAD 0.00001; ExAC 0.00004.
gnomAD v4.1: 14 of 1,614,090 alleles (0.00087%); highest among the groups gnomAD compares: Admixed American, 0.02%; no homozygotes.

Submission:

Labcorp Genetics (formerly Invitae), Labcorp
Classification: Uncertain significance. Last evaluated: 2023-07-26. Review status: criteria provided, single submitter. Criteria: Invitae Variant Classification Sherloc (09022015). Collection method: clinical testing. Allele origin: germline.
Comment: ClinVar contains an entry for this variant (Variation ID: 2068850). Advanced modeling of protein sequence and biophysical properties (such as structural, functional, and spatial information, amino acid conservation, physicochemical variation, residue mobility, and thermodynamic stability) performed at Invitae indicates that this missense variant is expected to disrupt KL protein function. In summary, the available evidence is currently insufficient to determine the role of this variant in disease. Therefore, it has been classified as a Variant of Uncertain Significance. This sequence change replaces proline, which is neutral and non-polar, with leucine, which is neutral and non-polar, at codon 740 of the KL protein (p.Pro740Leu). This variant is present in population databases (rs760280213, gnomAD 0.03%). This variant has not been reported in the literature in individuals affected with KL-related conditions.

NM_004795.4(KL):c.2219C>T (p.Pro740Leu)

Gene: KL (klotho; plus strand). Cytogenetic location: 13q13.1.
Variant type: single nucleotide variant.
Coding change: c.2219C>T on transcript NM_004795.4 (MANE Select); coding-DNA position 2219, C replaced by T.
Protein change: p.Pro740Leu; replaces proline 740 with leucine.
Molecular consequence: missense variant.
Genome position (GRCh38, 1-based): chr13:33,061,298, C>T. VCF-style: chr13-33061298-C-T. GRCh37 (hg19) VCF-style: chr13-33635435-C-T.
Other names: short protein forms P740L.
Identifiers: ClinVar variation 2068850 (VCV002068850.4), dbSNP rs760280213, ClinGen allele CA6944263.
Genomic context (GRCh38, chr13:33,061,298, plus strand): 5'-ATGCTCAGAATGGGAAAATATCCATAGCCTTGCAGGCTGATTGGATAGAACCTGCCTGCC[C>T]TTTCTCCCAAAAGGACAAAGAGGTGGCTGAGAGAGTTTTGGAATTTGACATTGGCTGGCT-3'
Protein context (NP_004786.2, residues 730-750): LQADWIEPAC[Pro740Leu]FSQKDKEVAE